The following is an entry in ClinVar:

ClinVar aggregate classification (germline): Uncertain significance (1 of 4 stars; one submission).

Conditions:
Hyper-IgM syndrome type 5 (HIGM5). Also called: Hyper-IgM Immunodeficiency Syndrome, Type 5. Identifiers: Orphanet 101092, MedGen C1720958, MONDO:0011971, OMIM 608106.

Submission:

Labcorp Genetics (formerly Invitae), Labcorp
Classification: Uncertain significance for Immunodeficiency with hyper IgM type 5. Last evaluated: 2019-12-19. Review status: criteria provided, single submitter. Criteria: Invitae Variant Classification Sherloc (09022015). Collection method: clinical testing. Allele origin: germline.
Comment: This variant is a gross deletion of the genomic region encompassing exons 7 of the UNG gene. The 5' boundary is likely confined to intron 6. The 3' end of this event is unknown as it extends through the termination codon beyond the assayed region for this gene and may encompass additional genes. While this deletion is not anticipated to result in nonsense mediated decay, it is expected to create a truncated protein product or disrupt mRNA translation. This variant has not been reported in the literature in individuals with UNG-related conditions. Experimental studies and prediction algorithms are not available for this variant, and the functional significance of the affected amino acid(s) is currently unknown. In summary, the available evidence is currently insufficient to determine the role of this variant in disease. Therefore, it has been classified as a Variant of Uncertain Significance.

NC_000012.12:g.(?_109109809)_(109109989_?)del

Gene: UNG (uracil DNA glycosylase; plus strand). Cytogenetic location: 12q24.11.
Variant type: Deletion.
Identifiers: ClinVar variation 832963 (VCV000832963.2).